The following is an entry in ClinVar:

NM_000142.5(FGFR3):c.2272G>A (p.Asp758Asn)

Gene: FGFR3 (fibroblast growth factor receptor 3; plus strand). Cytogenetic location: 4p16.3.
Variant type: single nucleotide variant.
Coding change: c.2272G>A on transcript NM_000142.5 (MANE Select); coding-DNA position 2272, G replaced by A.
Protein change: p.Asp758Asn; replaces aspartic acid 758 with asparagine.
Molecular consequence: missense variant. On other transcripts: non-coding transcript variant (1).
Genome position (GRCh38, 1-based): chr4:1,806,932, G>A. VCF-style: chr4-1806932-G-A. GRCh37 (hg19) VCF-style: chr4-1808659-G-A.
Other names: c.2278G>A, p.Asp760Asn (NM_001163213.2); c.2275G>A, p.Asp759Asn (NM_001354809.2); c.2204G>A, p.Arg735Gln (NM_001354810.2); c.1936G>A, p.Asp646Asn (NM_022965.4); short protein forms D646N, D758N, D759N, D760N, R735Q.
Identifiers: ClinVar variation 1201990 (VCV001201990.13), dbSNP rs56266857, ClinGen allele CA2810795.

ClinVar aggregate classification (germline): Conflicting classifications of pathogenicity. Review status: criteria provided, conflicting classifications (1 of 4 stars). 6 submissions from 6 submitters: Uncertain significance (4); Likely benign (2). Last evaluated 2026-06-23.

Conditions:
FGFR3-related disorder. Also called: FGFR3-related disorders.
Inborn genetic diseases. Identifiers: MedGen C0950123, MeSH D030342.
FGFR3-related chondrodysplasia. Identifiers: Orphanet 93420, MedGen C5681604, MONDO:0019685.

Allele frequency attached by ClinVar (database versions not stated): ESP Exome Variant Server 0.00008; gnomAD exomes 0.00016 and 0.00025; gnomAD 0.00019 and 0.00021; TOPMed 0.00024; ExAC 0.00037.
gnomAD v4.1: 255 of 1,602,626 alleles (0.016%); highest among the groups gnomAD compares: Middle Eastern, 0.066%; no homozygotes.

Submissions (6):

Genomenon, Inc
Classification: Uncertain significance for FGFR3-related chondrodysplasia. Last evaluated: 2026-06-23. Review status: criteria provided, single submitter. Criteria: Genomenon Sequence Variant Interpretation Standards - Updated. Collection method: curation. Allele origin: germline. Affected: no.
Comment: FGFR3 p.Asp758Asn (c.2272G>A) is a missense variant that changes the amino acid at codon 758 from Aspartic acid to Asparagine. This variant has been reported in the published literature (PMID:36479692). It is absent or not present at a significant frequency in gnomAD. In conclusion, we classify FGFR3 p.Asp758Asn (c.2272G>A) as a variant of uncertain significance.

Ambry Genetics
Classification: Uncertain significance for Inborn genetic diseases. Last evaluated: 2026-01-20. Review status: criteria provided, single submitter. Criteria: Ambry Variant Classification Scheme 2023. Collection method: clinical testing. Allele origin: germline.
Comment: The c.2272G>A (p.D758N) alteration is located in exon 17 (coding exon 16) of the FGFR3 gene. This alteration results from a G to A substitution at nucleotide position 2272, causing the aspartic acid (D) at amino acid position 758 to be replaced by an asparagine (N). Based on data from gnomAD, the A allele has an overall frequency of 0.024% (61/255156) total alleles studied. The highest observed frequency was 0.041% (46/113428) of European (non-Finnish) alleles. Based on insufficient or conflicting evidence, the clinical significance of this alteration remains unclear.

PreventionGenetics, part of Exact Sciences
Classification: Uncertain significance for FGFR3-related condition. Last evaluated: 2025-12-18. Review status: criteria provided, single submitter. Criteria: ACMG Guidelines, 2015. Collection method: clinical testing. Allele origin: germline.
Comment: The FGFR3 c.2272G>A variant is predicted to result in the amino acid substitution p.Asp758Asn. This variant was reported in an individual with breast cancer (described as p.Asp760Asn, Cine et al. 2023. PubMed ID: 36479692). This variant is reported in 0.041% of alleles in individuals of European (Non-Finnish) descent in gnomAD. At this time, the clinical significance of this variant is uncertain due to the absence of conclusive functional and genetic evidence.

Blueprint Genetics
Classification: Likely benign. Last evaluated: 2024-11-25. Review status: criteria provided, single submitter. Criteria: ACMG Guidelines, 2015. Collection method: clinical testing. Allele origin: germline.

Labcorp Genetics (formerly Invitae), Labcorp
Classification: Uncertain significance. Last evaluated: 2024-10-24. Review status: criteria provided, single submitter. Criteria: Invitae Variant Classification Sherloc (09022015). Collection method: clinical testing. Allele origin: germline.
Comment: This sequence change replaces aspartic acid, which is acidic and polar, with asparagine, which is neutral and polar, at codon 758 of the FGFR3 protein (p.Asp758Asn). This variant is present in population databases (rs56266857, gnomAD 0.04%), and has an allele count higher than expected for a pathogenic variant. This variant has not been reported in the literature in individuals affected with FGFR3-related conditions. ClinVar contains an entry for this variant (Variation ID: 1201990). An algorithm developed to predict the effect of missense changes on protein structure and function (PolyPhen-2) suggests that this variant¬†is likely to be tolerated. In summary, the available evidence is currently insufficient to determine the role of this variant in disease. Therefore, it has been classified as a Variant of Uncertain Significance.

GeneDx
Classification: Likely benign. Last evaluated: 2020-10-22. Review status: criteria provided, single submitter. Criteria: GeneDx Variant Classification Process June 2021. Collection method: clinical testing. Allele origin: germline. Affected: yes.
Comment: In silico analysis, which includes protein predictors and evolutionary conservation, supports that this variant does not alter protein structure/function; Has not been previously published as pathogenic or benign to our knowledge

Literature cited by the submitters: PubMed 36479692 (cited by Genomenon, Inc).